The following is an entry in ClinVar:

ClinVar aggregate classification (germline): Likely pathogenic (1 of 4 stars; one submission).

Conditions:
Vici syndrome (VICIS). Identifiers: Orphanet 1493, MedGen C1855772, MONDO:0009452, OMIM 242840.

Submission:

SIB Swiss Institute of Bioinformatics
Classification: Likely pathogenic for Vici syndrome. Last evaluated: 2019-01-17. Review status: criteria provided, single submitter. Criteria: ACMG Guidelines, 2015. Collection method: curation. Allele origin: unknown.
Comment: This variant is interpreted as a Likely pathogenic for Vici syndrome, autosomal recessive. The following ACMG Tag(s) were applied: PM2 => Absent from controls (or at extremely low frequency if recessive) in Exome Sequencing Project, 1000 Genomes Project, or Exome Aggregation Consortium. PVS1 => Predicted nullvariant in a gene where LOF is a known mechanism of disease.

ClinGen:CA402341522

Literature cited by the submitters: PubMed 26917586.

NM_020964.3(EPG5):c.5993C>G (p.Ser1998Ter)

Gene: EPG5 (ectopic P-granules 5 autophagy tethering factor; minus strand). Cytogenetic location: 18q12.3.
Variant type: single nucleotide variant.
Coding change: c.5993C>G on transcript NM_020964.3 (MANE Select); coding-DNA position 5993, C replaced by G.
Protein change: p.Ser1998Ter; replaces serine 1998 with a stop codon.
Molecular consequence: nonsense.
Genome position (GRCh38, 1-based): chr18:45,876,292, G>C on the plus strand (C>G on the coding strand, the complement: EPG5 is on the minus strand). VCF-style: chr18-45876292-G-C. GRCh37 (hg19) VCF-style: chr18-43456257-G-C.
Other names: c.5993C>G, p.Ser1998Ter (LRG_1234t1); short protein forms S1998*.
Identifiers: ClinVar variation 626231 (VCV000626231.2), dbSNP rs1568112516, ClinGen allele CA402341522.